The following is an entry in ClinVar:

ClinVar aggregate classification (germline): Uncertain significance (1 of 4 stars; one submission).

Allele frequency attached by ClinVar (database versions not stated): gnomAD 0.00001; TOPMed 0.00002.
gnomAD v4.1: 10 of 1,563,014 alleles (0.00064%); highest among the groups gnomAD compares: Admixed American, 0.019%; no homozygotes.

Submission:

Greenwood Genetic Center Diagnostic Laboratories, Greenwood Genetic Center
Classification: Uncertain significance. Last evaluated: 2024-01-10. Review status: criteria provided, single submitter. Criteria: ACMG Guidelines, 2015. Collection method: clinical testing. Allele origin: germline. Affected: yes.
Comment: PM2, BP4

NM_015896.4(ZMYND10):c.92+32G>T

Gene: ZMYND10 (zinc finger MYND-type containing 10; minus strand). Cytogenetic location: 3p21.31.
Variant type: single nucleotide variant.
Coding change: c.92+32G>T on transcript NM_015896.4 (MANE Select); 32 bases into the intron after coding-DNA position 92, G replaced by T.
Molecular consequence: intron variant.
Genome position (GRCh38, 1-based): chr3:50,345,456, C>A on the plus strand (G>T on the coding strand, the complement: ZMYND10 is on the minus strand). VCF-style: chr3-50345456-C-A. GRCh37 (hg19) VCF-style: chr3-50382887-C-A.
Other names: c.92+32G>T (NM_001308379.2).
Identifiers: ClinVar variation 3235828 (VCV003235828.1), dbSNP rs1016253814, ClinGen allele CA74634425.